The following is an entry in ClinVar:

NM_013275.6(ANKRD11):c.2968delinsCA (p.Asp990fs)

Gene: ANKRD11 (ankyrin repeat domain 11; minus strand). Cytogenetic location: 16q24.3.
Variant type: Indel.
Coding change: c.2968delinsCA on transcript NM_013275.6 (MANE Select); coding-DNA position 2968, G replaced by CA.
Protein change: p.Asp990fs; shifts the reading frame from aspartic acid 990.
Molecular consequence: frameshift variant.
Genome position (GRCh38, 1-based): chr16:89,283,574, C replaced by TG on the plus strand (G replaced by CA on the coding strand, the reverse complement: ANKRD11 is on the minus strand). VCF-style: chr16-89283574-C-TG. GRCh37 (hg19) VCF-style: chr16-89349982-C-TG.
Other names: c.2968delinsCA, p.Asp990fs (NM_001256182.2, NM_001256183.2); short protein forms D990fs.
Identifiers: ClinVar variation 3382433 (VCV003382433.2).

ClinVar aggregate classification (germline): Pathogenic (1 of 4 stars; one submission).

Conditions:
KBG syndrome (KBGS). Also called: ANKRD11-Related KBG Syndrome. Identifiers: Orphanet 2332, MedGen C0220687, MONDO:0007846, OMIM 148050.

Submission:

Juno Genomics, Hangzhou Juno Genomics, Inc
Classification: Pathogenic for KBG syndrome. Review status: criteria provided, single submitter. Criteria: ACMG Guidelines, 2015. Collection method: clinical testing. Allele origin: germline. Affected: yes.
Comment: Absent from controls (or at extremely low frequency if recessive) in Genome Aggregation Database, Exome Sequencing Project, 1000 Genomes Project, or Exome Aggregation Consortium.;Null variant in a gene where loss of function (LOF) is a known mechanism of disease.;Patient's phenotype or family history is highly specific for a disease with a single genetic etiology.